The following is an entry in ClinVar:

NM_024675.4(PALB2):c.593A>C (p.His198Pro)

Gene: PALB2 (partner and localizer of BRCA2; minus strand). Cytogenetic location: 16p12.2.
Variant type: single nucleotide variant.
Coding change: c.593A>C on transcript NM_024675.4 (MANE Select); coding-DNA position 593, A replaced by C.
Protein change: p.His198Pro; replaces histidine 198 with proline.
Molecular consequence: missense variant. On other transcripts: 5 prime UTR variant (8), intron variant (3).
Genome position (GRCh38, 1-based): chr16:23,635,953, T>G on the plus strand (A>C on the coding strand, the complement: PALB2 is on the minus strand). VCF-style: chr16-23635953-T-G. GRCh37 (hg19) VCF-style: chr16-23647274-T-G.
Other names: c.533A>C, p.His178Pro (NM_001407296.1); c.593A>C, p.His198Pro (NM_001407297.1, NM_001407298.1, NM_001407299.1 and 3 more transcripts); c.-293A>C (NM_001407304.1, NM_001407305.1, NM_001407306.1 and 5 more transcripts); c.48+5157A>C (NM_001407314.1); c.-105+5157A>C (NM_001407313.1, NM_001407312.1); short protein forms H178P, H198P.
Identifiers: ClinVar variation 2587414 (VCV002587414.2), dbSNP rs2142439669, ClinGen allele CA395136719.
Genomic context (GRCh38, chr16:23,635,953, plus strand): 5'-TCATTAATTTCTGTAACTGGTTCTGGAGAATCTGGAAGTTCAGATTTAAGACTTAAAAGG[T>G]GAGTTCTTATTTCAGTTACTGGTGATCTAGCAGGATTTTTGCTACTGATTTCTTCCTGTT-3'
Protein context (NP_078951.2, residues 188-208): ARSPVTEIRT[His198Pro]LLSLKSELPD

ClinVar aggregate classification (germline): Uncertain significance (1 of 4 stars; one submission).

Conditions:
Hereditary cancer-predisposing syndrome. Also called: Tumor predisposition; Hereditary Cancer Syndrome; Hereditary neoplastic syndrome; Neoplastic Syndromes, Hereditary. Identifiers: Orphanet 140162, MedGen C0027672, MeSH D009386, MONDO:0015356.

Submission:

Ambry Genetics
Classification: Uncertain significance for Hereditary cancer-predisposing syndrome. Last evaluated: 2023-08-04. Review status: criteria provided, single submitter. Criteria: Ambry Variant Classification Scheme 2023. Collection method: clinical testing. Allele origin: germline.
Comment: The p.H198P variant (also known as c.593A>C), located in coding exon 4 of the PALB2 gene, results from an A to C substitution at nucleotide position 593. The histidine at codon 198 is replaced by proline, an amino acid with similar properties. This amino acid position is conserved. In addition, this alteration is predicted to be tolerated by in silico analysis. Since supporting evidence is limited at this time, the clinical significance of this alteration remains unclear.